The following is an entry in ClinVar:

NM_015158.5(KANK1):c.2872G>A (p.Asp958Asn)

Gene: KANK1 (KN motif and ankyrin repeat domains 1; plus strand). Cytogenetic location: 9p24.3.
Variant type: single nucleotide variant.
Coding change: c.2872G>A on transcript NM_015158.5 (MANE Select); coding-DNA position 2872, G replaced by A.
Protein change: p.Asp958Asn; replaces aspartic acid 958 with asparagine.
Molecular consequence: missense variant. On other transcripts: non-coding transcript variant (1), intron variant (5).
Genome position (GRCh38, 1-based): chr9:730,224, G>A. VCF-style: chr9-730224-G-A. GRCh37 (hg19) VCF-style: chr9-730224-G-A.
Other names: c.2872G>A, p.Asp958Asn (NM_001256876.3, NM_001256877.3, NM_001354331.2 and 1 more transcripts); c.2398G>A, p.Asp800Asn (NM_001354333.2, NM_001354335.2, NM_001354337.2 and 5 more transcripts); c.2842+30G>A (NM_001354332.2); c.2368+30G>A (NM_001354336.2, NM_001354338.2, NM_001354340.2 and 1 more transcripts); short protein forms D800N, D958N.
Identifiers: ClinVar variation 3711707 (VCV003711707.2).

ClinVar aggregate classification (germline): Uncertain significance (1 of 4 stars; one submission).

gnomAD v4.1: 103 of 1,614,144 alleles (0.0064%); highest among the groups gnomAD compares: Middle Eastern, 0.016%; no homozygotes.

Submission:

Labcorp Genetics (formerly Invitae), Labcorp
Classification: Uncertain significance. Last evaluated: 2025-04-16. Review status: criteria provided, single submitter. Criteria: Invitae Variant Classification Sherloc (09022015). Collection method: clinical testing. Allele origin: germline.
Comment: This sequence change replaces aspartic acid, which is acidic and polar, with asparagine, which is neutral and polar, at codon 958 of the KANK1 protein (p.Asp958Asn). This variant is present in population databases (rs200396629, gnomAD 0.005%). This variant has not been reported in the literature in individuals affected with KANK1-related conditions. ClinVar contains an entry for this variant (Variation ID: 3711707). Invitae Evidence Modeling of protein sequence and biophysical properties (such as structural, functional, and spatial information, amino acid conservation, physicochemical variation, residue mobility, and thermodynamic stability) indicates that this missense variant is expected to disrupt KANK1 protein function with a positive predictive value of 80%. In summary, the available evidence is currently insufficient to determine the role of this variant in disease. Therefore, it has been classified as a Variant of Uncertain Significance.